The following is an entry in ClinVar:

NM_000441.2(SLC26A4):c.2235+2T>C

Gene: SLC26A4 (solute carrier family 26 member 4; plus strand). Cytogenetic location: 7q22.3.
Variant type: single nucleotide variant.
Coding change: c.2235+2T>C on transcript NM_000441.2 (MANE Select); the canonical splice donor site of the intron after coding-DNA position 2235, T replaced by C.
Molecular consequence: splice donor variant.
Genome position (GRCh38, 1-based): chr7:107,710,201, T>C. VCF-style: chr7-107710201-T-C. GRCh37 (hg19) VCF-style: chr7-107350646-T-C.
Identifiers: ClinVar variation 557027 (VCV000557027.4), dbSNP rs1554362815, ClinGen allele CA368846207.

ClinVar aggregate classification (germline): Pathogenic/Likely pathogenic. Review status: criteria provided, multiple submitters, no conflicts (2 of 4 stars). 3 submissions from 3 submitters: Pathogenic (1); Likely pathogenic (1). 1 of the submissions does not count toward it. Last evaluated 2026-03-16.

Conditions:
Autosomal recessive nonsyndromic hearing loss 4 (DFNB4). Also called: Enlarged vestibular aqueduct, digenic; Nonsyndromic enlarged vestibular aqueduct (NSEVA); Deafness, autosomal recessive 4, with enlarged vestibular aqueduct; Deafness, autosomal recessive 4; FOXI1-Related Pendred Syndrome; KCNJ10-Related Pendred Syndrome. Identifiers: Orphanet 90636, MedGen C3538946, MONDO:0010933, OMIM 600791.
Pendred syndrome (PDS). Also called: Pendred's syndrome; Pendred Syndrome (PDS); DEAFNESS WITH GOITER; GOITER-DEAFNESS SYNDROME; HYPOTHYROIDISM, CONGENITAL, DUE TO DYSHORMONOGENESIS, 2B; THYROID DYSHORMONOGENESIS 2B. Identifiers: Orphanet 705, MedGen C0271829, MONDO:0010134, OMIM 274600.

Submissions (3):

Myriad Genetics, Inc.
Classification: Pathogenic for Pendred syndrome. Last evaluated: 2026-03-16. Review status: criteria provided, single submitter. Criteria: Myriad Autosomal Dominant, Autosomal Recessive and X-Linked Classification Criteria (2023). Collection method: clinical testing. Allele origin: unknown.
Comment: NM_000441.1(SLC26A4):c.2235+2T>C is a variant in a canonical splice site classified as pathogenic in the context of Pendred syndrome. c.2235+2T>C has been observed in a case with relevant disease (PMID: 29739340). Relevant functional assessments of this variant are not available in the literature. c.2235+2T>C has not been observed in referenced population frequency databases. In summary, NM_000441.1(SLC26A4):c.2235+2T>C is a variant in a canonical splice site in a gene where loss of function is a known mechanism of disease, is predicted to disrupt protein function, and has been observed more frequently in cases with the relevant disease than in healthy populations. Please note: this variant was assessed in the context of healthy population screening.

Laboratory of Human Genetics, Institute of Biosciences - University of Sao Paulo
Classification: Likely pathogenic for Autosomal recessive nonsyndromic hearing loss 4. Review status: criteria provided, single submitter. Criteria: ClinGen HL ACMG Specifications v1. Collection method: research. Allele origin: germline. Inheritance: Autosomal recessive inheritance. Affected: yes. Observed: 1 compound heterozygote. Segregation with disease observed.

Counsyl
Classification: Likely pathogenic for Pendred syndrome. Last evaluated: 2018-03-05. Review status: no assertion criteria provided. Collection method: clinical testing. Allele origin: unknown. Not counted in ClinVar's aggregate classification.

Literature cited by the submitters: PubMed 29739340 (cited by Myriad Genetics, Inc. and Laboratory of Human Genetics, Institute of Biosciences - University of Sao Paulo).